The following is an entry in ClinVar:

NM_000891.3(KCNJ2):c.1141G>A (p.Ala381Thr)

Gene: KCNJ2 (potassium inwardly rectifying channel subfamily J member 2; plus strand). Cytogenetic location: 17q24.3.
Variant type: single nucleotide variant.
Coding change: c.1141G>A on transcript NM_000891.3 (MANE Select); coding-DNA position 1141, G replaced by A.
Protein change: p.Ala381Thr; replaces alanine 381 with threonine.
Molecular consequence: missense variant.
Genome position (GRCh38, 1-based): chr17:70,176,180, G>A. VCF-style: chr17-70176180-G-A. GRCh37 (hg19) VCF-style: chr17-68172321-G-A.
Other names: short protein forms A381T.
Identifiers: ClinVar variation 3757295 (VCV003757295.2).

ClinVar aggregate classification (germline): Uncertain significance (1 of 4 stars; one submission).

Conditions:
Andersen Tawil syndrome (LQT7). Also called: ANDERSEN CARDIODYSRHYTHMIC PERIODIC PARALYSIS; LONG QT SYNDROME 7; PERIODIC PARALYSIS, POTASSIUM-SENSITIVE CARDIODYSRHYTHMIC TYPE; Andersen Syndrome; Potassium-sensitive periodic paralysis, ventricular ectopy, and dysmorphic features. Identifiers: Orphanet 37553, MedGen C1563715, MONDO:0008222, OMIM 170390.
Short QT syndrome type 3. Identifiers: Orphanet 51083, MedGen C1865018, MONDO:0012314, OMIM 609622.

Submission:

Labcorp Genetics (formerly Invitae), Labcorp
Classification: Uncertain significance for Short QT syndrome type 3; Andersen Tawil syndrome. Last evaluated: 2024-07-19. Review status: criteria provided, single submitter. Criteria: Invitae Variant Classification Sherloc (09022015). Collection method: clinical testing. Allele origin: germline.
Comment: This sequence change replaces alanine, which is neutral and non-polar, with threonine, which is neutral and polar, at codon 381 of the KCNJ2 protein (p.Ala381Thr). This variant is not present in population databases (gnomAD no frequency). This variant has not been reported in the literature in individuals affected with KCNJ2-related conditions. An algorithm developed to predict the effect of missense changes on protein structure and function (PolyPhen-2) suggests that this variant is likely to be disruptive. In summary, the available evidence is currently insufficient to determine the role of this variant in disease. Therefore, it has been classified as a Variant of Uncertain Significance.